The following is an entry in ClinVar:

NM_005633.4(SOS1):c.3258G>A (p.Pro1086=)

Gene: SOS1 (SOS Ras/Rac guanine nucleotide exchange factor 1; minus strand). Cytogenetic location: 2p22.1.
Variant type: single nucleotide variant.
Coding change: c.3258G>A on transcript NM_005633.4 (MANE Select); coding-DNA position 3258, G replaced by A.
Protein change: p.Pro1086=; no amino-acid change (proline 1086 retained).
Molecular consequence: synonymous variant.
Genome position (GRCh38, 1-based): chr2:38,995,211, C>T on the plus strand (G>A on the coding strand, the complement: SOS1 is on the minus strand). VCF-style: chr2-38995211-C-T. GRCh37 (hg19) VCF-style: chr2-39222352-C-T.
Other names: c.3237G>A, p.Pro1079= (NM_001382394.1); c.3258G>A, p.Pro1086= (NM_001382395.1); c.3258G>A (NM_005633.3).
Identifiers: ClinVar variation 1099099 (VCV001099099.33), dbSNP rs770550039, ClinGen allele CA1624235.
Genomic context (GRCh38, chr2:38,995,211, plus strand): 5'-ATCAAATACACTGCAAACATCTGTGGTACTGGAAGCACCAGAAGCAGGCGGAGGTGTTAA[C>T]GGTGTTCTTGGAGAATTTGGTGCAGATGCTGTACTTTCTGTTTCACTTTCAGGGATCCTA-3'
Protein context (NP_005624.2, residues 1076-1096): TASAPNSPRT[Pro1086=]LTPPPASGAS

ClinVar aggregate classification (germline): Likely benign. Review status: criteria provided, multiple submitters, no conflicts (2 of 4 stars). 3 submissions from 3 submitters: Likely benign (3). Last evaluated 2025-10-13.

Conditions:
RASopathy. Also called: Noonan spectrum disorder; rasopathies. Identifiers: Orphanet 536391, MedGen C5555857, MONDO:0021060.
Cardiovascular phenotype. Identifiers: MedGen CN230736.

Allele frequency attached by ClinVar (database versions not stated): ExAC 0.00001.
gnomAD v4.1: 6 of 1,613,978 alleles (0.00037%); highest among the groups gnomAD compares: Admixed American, 0.0017%; no homozygotes.

Submissions (3):

Labcorp Genetics (formerly Invitae), Labcorp
Classification: Likely benign for RASopathy. Last evaluated: 2025-10-13. Review status: criteria provided, single submitter. Criteria: Invitae Variant Classification Sherloc (09022015). Collection method: clinical testing. Allele origin: germline.

Ambry Genetics
Classification: Likely benign for Cardiovascular phenotype. Last evaluated: 2024-07-30. Review status: criteria provided, single submitter. Criteria: Ambry Variant Classification Scheme 2023. Collection method: clinical testing. Allele origin: germline.

CeGaT Center for Human Genetics Tuebingen
Classification: Likely benign. Last evaluated: 2022-05-01. Review status: criteria provided, single submitter. Criteria: CeGaT Center For Human Genetics Tuebingen Variant Classification Criteria Version 2. Collection method: clinical testing. Allele origin: germline. Affected: yes. Observed: 1 variant allele.
Comment: SOS1: BP4, BP7